The following is an entry in ClinVar:

NM_006015.6(ARID1A):c.250_267del (p.Gly84_Gly89del)

Gene: ARID1A (AT-rich interaction domain 1A; plus strand). Cytogenetic location: 1p36.11.
Variant type: Deletion.
Coding change: c.250_267del on transcript NM_006015.6 (MANE Select); coding-DNA positions 250 to 267, 18 bases deleted (GGCGGCGGCGGAGCCGGC).
Protein change: p.Gly84_Gly89del.
Molecular consequence: inframe deletion.
Genome position (GRCh38, 1-based): chr1:26,696,653-26,696,670, GGCGGCGGCGGAGCCGGC deleted; deleting any 18 consecutive bases within chr1:26,696,650-26,696,670 gives the same sequence; the c. name uses the placement nearest the transcript's 3' end. VCF-style (leftmost placement, unchanged base first): chr1-26696649-TGGCGGCGGCGGCGGAGCC-T. GRCh37 (hg19) VCF-style: chr1-27023140-TGGCGGCGGCGGCGGAGCC-T.
Other names: c.250_267del18 (NM_006015.4); c.250_267del, p.Gly84_Gly89del (NM_139135.4).
Identifiers: ClinVar variation 1254549 (VCV001254549.22), dbSNP rs777773061, ClinGen allele CA706574.

ClinVar aggregate classification (germline): Benign/Likely benign. Review status: criteria provided, multiple submitters, no conflicts (2 of 4 stars). 5 submissions from 5 submitters: Benign (1); Likely benign (3). 1 of the submissions does not count toward it. Last evaluated 2025-08-22.

Conditions:
ARID1A-related disorder. Also called: ARID1A-related condition.

Submissions (5):

Labcorp Genetics (formerly Invitae), Labcorp
Classification: Benign. Last evaluated: 2025-08-22. Review status: criteria provided, single submitter. Criteria: Invitae Variant Classification Sherloc (09022015). Collection method: clinical testing. Allele origin: germline.

CeGaT Center for Human Genetics Tuebingen
Classification: Likely benign. Last evaluated: 2024-10-01. Review status: criteria provided, single submitter. Criteria: CeGaT Center For Human Genetics Tuebingen Variant Classification Criteria Version 2. Collection method: clinical testing. Allele origin: germline. Affected: yes. Observed: 1 variant allele.
Comment: ARID1A: BS1

Blueprint Genetics
Classification: Likely benign. Last evaluated: 2024-09-16. Review status: criteria provided, single submitter. Criteria: ACMG Guidelines, 2015. Collection method: clinical testing. Allele origin: germline.

GeneDx
Classification: Likely benign. Last evaluated: 2021-02-26. Review status: criteria provided, single submitter. Criteria: GeneDx Variant Classification Process June 2021. Collection method: clinical testing. Allele origin: germline. Affected: yes.

PreventionGenetics, part of Exact Sciences
Classification: Likely benign for ARID1A-related condition. Last evaluated: 2019-09-26. Review status: no assertion criteria provided. Collection method: clinical testing. Allele origin: germline. Not counted in ClinVar's aggregate classification.
Comment: This variant is classified as likely benign based on ACMG/AMP sequence variant interpretation guidelines (Richards et al. 2015 PMID: 25741868, with internal and published modifications).